The following is an entry in ClinVar:

NM_001142864.4(PIEZO1):c.4190C>T (p.Pro1397Leu)

Gene: PIEZO1 (piezo type mechanosensitive ion channel component 1 (Er blood group); minus strand). Cytogenetic location: 16q24.3.
Variant type: single nucleotide variant.
Coding change: c.4190C>T on transcript NM_001142864.4 (MANE Select); coding-DNA position 4190, C replaced by T.
Protein change: p.Pro1397Leu; replaces proline 1397 with leucine.
Molecular consequence: missense variant.
Genome position (GRCh38, 1-based): chr16:88,725,053, G>A on the plus strand (C>T on the coding strand, the complement: PIEZO1 is on the minus strand). VCF-style: chr16-88725053-G-A. GRCh37 (hg19) VCF-style: chr16-88791461-G-A.
Other names: c.4190C>T (NM_001142864.2); short protein forms P1397L.
Identifiers: ClinVar variation 761124 (VCV000761124.17), dbSNP rs756582306, ClinGen allele CA8232230.

ClinVar aggregate classification (germline): Conflicting classifications of pathogenicity. Review status: criteria provided, conflicting classifications (1 of 4 stars). 6 submissions from 6 submitters: Uncertain significance (3); Likely benign (2). 1 of the submissions does not count toward it. Last evaluated 2026-01-01.

Conditions:
PIEZO1-related disorder. Also called: PIEZO1-related condition; PIEZO1-Related Disorders.
Inborn genetic diseases. Identifiers: MedGen C0950123, MeSH D030342.

Allele frequency attached by ClinVar (database versions not stated): TOPMed 0.00028; 1000 Genomes Project 30x 0.00031; gnomAD 0.00033; gnomAD exomes 0.00056; ExAC 0.00105.
gnomAD v4.1: 528 of 1,499,618 alleles (0.035%); highest among the groups gnomAD compares: South Asian, 0.046%; 1 homozygote.

Submissions (6):

CeGaT Center for Human Genetics Tuebingen
Classification: Uncertain significance. Last evaluated: 2026-01-01. Review status: criteria provided, single submitter. Criteria: CeGaT Center For Human Genetics Tuebingen Variant Classification Criteria Version 2. Collection method: clinical testing. Allele origin: germline. Affected: yes. Observed: 1 variant allele.

Labcorp Genetics (formerly Invitae), Labcorp
Classification: Likely benign. Last evaluated: 2025-09-03. Review status: criteria provided, single submitter. Criteria: Invitae Variant Classification Sherloc (09022015). Collection method: clinical testing. Allele origin: germline.

GeneDx
Classification: Uncertain significance. Last evaluated: 2025-07-24. Review status: criteria provided, single submitter. Criteria: GeneDx Variant Classification Process June 2021. Collection method: clinical testing. Allele origin: germline. Affected: yes.
Comment: In silico analysis supports that this missense variant has a deleterious effect on protein structure/function; Has not been previously published as pathogenic or benign to our knowledge

ARUP Laboratories, Molecular Genetics and Genomics, ARUP Laboratories
Classification: Likely benign. Last evaluated: 2025-07-17. Review status: criteria provided, single submitter. Criteria: ARUP Molecular Germline Variant Investigation Process 2024. Collection method: clinical testing. Allele origin: germline.

Ambry Genetics
Classification: Uncertain significance for Inborn genetic diseases. Last evaluated: 2022-09-16. Review status: criteria provided, single submitter. Criteria: Ambry Variant Classification Scheme 2023. Collection method: clinical testing. Allele origin: germline.

PreventionGenetics, part of Exact Sciences
Classification: Likely benign for PIEZO1-related condition. Last evaluated: 2024-01-25. Review status: no assertion criteria provided. Collection method: clinical testing. Allele origin: germline. Not counted in ClinVar's aggregate classification.
Comment: This variant is classified as likely benign based on ACMG/AMP sequence variant interpretation guidelines (Richards et al. 2015 PMID: 25741868, with internal and published modifications).